The following is an entry in ClinVar:

NM_001177701.3(IFT27):c.24C>G (p.Cys8Trp)

Genes: IFT27 (intraflagellar transport 27; minus strand), LOC130067336 (ATAC-STARR-seq lymphoblastoid silent region 13671; plus strand). Cytogenetic location: 22q12.3.
Variant type: single nucleotide variant.
Coding change: c.24C>G on transcript NM_001177701.3 (MANE Select); coding-DNA position 24, C replaced by G.
Protein change: p.Cys8Trp; replaces cysteine 8 with tryptophan.
Molecular consequence: missense variant. On other transcripts: non-coding transcript variant (1).
Genome position (GRCh38, 1-based): chr22:36,775,684, G>C on the plus strand (C>G on the coding strand, the complement: IFT27 is on the minus strand). VCF-style: chr22-36775684-G-C. GRCh37 (hg19) VCF-style: chr22-37171728-G-C.
Other names: c.24C>G, p.Cys8Trp (NM_001363003.2, NM_006860.5); c.24C>G (NM_006860.4); short protein forms C8W.
Identifiers: ClinVar variation 1914548 (VCV001914548.6), dbSNP rs1405881391, ClinGen allele CA411390006.

ClinVar aggregate classification (germline): Uncertain significance. Review status: criteria provided, single submitter (1 of 4 stars). 2 submissions from 2 submitters: Uncertain significance (1). 1 of the submissions does not count toward it. Last evaluated 2022-01-26.

Conditions:
IFT27-related disorder. Also called: IFT27-related condition.

Allele frequency attached by ClinVar (database versions not stated): TOPMed below 0.00001; gnomAD 0.00001.
gnomAD v4.1: 1 of 1,614,026 alleles (0.000062%); highest among the groups gnomAD compares: Non-Finnish European, 0.000085%; no homozygotes.

Submissions (2):

Labcorp Genetics (formerly Invitae), Labcorp
Classification: Uncertain significance. Last evaluated: 2022-01-26. Review status: criteria provided, single submitter. Criteria: Invitae Variant Classification Sherloc (09022015). Collection method: clinical testing. Allele origin: germline.
Comment: This variant has not been reported in the literature in individuals affected with IFT27-related conditions. This variant is not present in population databases (gnomAD no frequency). This sequence change replaces cysteine, which is neutral and slightly polar, with tryptophan, which is neutral and slightly polar, at codon 8 of the IFT27 protein (p.Cys8Trp). Advanced modeling of protein sequence and biophysical properties (such as structural, functional, and spatial information, amino acid conservation, physicochemical variation, residue mobility, and thermodynamic stability) performed at Invitae indicates that this missense variant is expected to disrupt IFT27 protein function. In summary, the available evidence is currently insufficient to determine the role of this variant in disease. Therefore, it has been classified as a Variant of Uncertain Significance.

PreventionGenetics, part of Exact Sciences
Classification: Uncertain significance for IFT27-related condition. Last evaluated: 2024-05-13. Review status: no assertion criteria provided. Collection method: clinical testing. Allele origin: germline. Not counted in ClinVar's aggregate classification.
Comment: The IFT27 c.24C>G variant is predicted to result in the amino acid substitution p.Cys8Trp. To our knowledge, this variant has not been reported in the literature or in a large population database, indicating this variant is rare. At this time, the clinical significance of this variant is uncertain due to the absence of conclusive functional and genetic evidence.